The following is an entry in ClinVar:

NM_001008537.3(NEXMIF):c.3709A>T (p.Met1237Leu)

Gene: NEXMIF (neurite extension and migration factor; minus strand). Cytogenetic location: Xq13.3.
Variant type: single nucleotide variant.
Coding change: c.3709A>T on transcript NM_001008537.3 (MANE Select); coding-DNA position 3709, A replaced by T.
Protein change: p.Met1237Leu; replaces methionine 1237 with leucine.
Molecular consequence: missense variant.
Genome position (GRCh38, 1-based): chrX:74,740,848, T>A on the plus strand (A>T on the coding strand, the complement: NEXMIF is on the minus strand). VCF-style: chrX-74740848-T-A. GRCh37 (hg19) VCF-style: chrX-73960683-T-A.
Other names: p.Met1237Leu; short protein forms M1237L.
Identifiers: ClinVar variation 474071 (VCV000474071.22), dbSNP rs61731613, ClinGen allele CA10454917.

ClinVar aggregate classification (germline): Benign/Likely benign. Review status: criteria provided, multiple submitters, no conflicts (2 of 4 stars). 8 submissions from 8 submitters: Benign (4); Likely benign (4). Last evaluated 2026-02-02.

Conditions:
X-linked intellectual disability, Cantagrel type (XLID98). Also called: INTELLECTUAL DEVELOPMENTAL DISORDER, X-LINKED 98. Identifiers: Orphanet 85277, MedGen C3806730, MONDO:0010483, OMIM 300912.

Allele frequency attached by ClinVar (database versions not stated): gnomAD exomes 0.00033 and 0.00096; ExAC 0.00139; gnomAD 0.00342 and 0.00368; TOPMed 0.00405; 1000 Genomes Project 0.00424; 1000 Genomes Project 30x 0.00437; ESP Exome Variant Server 0.00464.

Submissions (8):

Labcorp Genetics (formerly Invitae), Labcorp
Classification: Benign. Last evaluated: 2026-02-02. Review status: criteria provided, single submitter. Criteria: Invitae Variant Classification Sherloc (09022015). Collection method: clinical testing. Allele origin: germline.

Mayo Clinic Laboratories, Mayo Clinic
Classification: Benign. Last evaluated: 2025-03-05. Review status: criteria provided, single submitter. Criteria: ACMG Guidelines, 2015. Collection method: clinical testing. Allele origin: germline. Observed: 2 variant alleles.
Comment: BS1, BS2, BP4_moderate

Blueprint Genetics
Classification: Likely benign. Last evaluated: 2024-11-06. Review status: criteria provided, single submitter. Criteria: ACMG Guidelines, 2015. Collection method: clinical testing. Allele origin: germline.

Fulgent Genetics
Classification: Likely benign for X-linked intellectual disability, Cantagrel type. Last evaluated: 2022-05-24. Review status: criteria provided, single submitter. Criteria: ACMG Guidelines, 2015. Collection method: clinical testing. Allele origin: unknown.

GeneDx
Classification: Benign. Last evaluated: 2019-09-13. Review status: criteria provided, single submitter. Criteria: GeneDx Variant Classification Process June 2021. Collection method: clinical testing. Allele origin: germline. Affected: yes.

Athena Diagnostics
Classification: Likely benign. Last evaluated: 2018-06-14. Review status: criteria provided, single submitter. Criteria: Athena Diagnostics Criteria. Collection method: clinical testing. Allele origin: germline.

Ambry Genetics
Classification: Benign. Last evaluated: 2014-09-30. Review status: criteria provided, single submitter. Criteria: Ambry Variant Classification Scheme 2023. Collection method: clinical testing. Allele origin: germline.

Breakthrough Genomics
Classification: Likely benign. Review status: criteria provided, single submitter. Criteria: ACMG Guidelines, 2015. Collection method: not provided. Allele origin: germline. Inheritance: X-linked inheritance. Affected: yes.